The following is an entry in ClinVar:

ClinVar aggregate classification (germline): Conflicting classifications of pathogenicity. Review status: criteria provided, conflicting classifications (1 of 4 stars). 2 submissions from 2 submitters: Likely pathogenic (1); Uncertain significance (1). Last evaluated 2026-09-08.

Conditions:
Fabry disease. Also called: ALPHA-GALACTOSIDASE A DEFICIENCY; ANDERSON-FABRY DISEASE; CERAMIDE TRIHEXOSIDASE DEFICIENCY; GLA DEFICIENCY; HEREDITARY DYSTOPIC LIPIDOSIS; Angiokeratoma corporis diffusum. Identifiers: Orphanet 324, MedGen C0002986, MONDO:0010526, OMIM 301500, HP:0001071. Disease mechanism: Fabry disease is due to inactivating mutations in the X-linked GLA gene resulting in deficiency of the enzyme Alpha Galactosidase-A., loss of function.

Submissions (2):

Genomenon, Inc
Classification: Likely pathogenic for Fabry disease. Last evaluated: 2026-09-08. Review status: criteria provided, single submitter. Criteria: Genomenon Sequence Variant Interpretation Standards - Updated. Collection method: curation. Allele origin: germline. Affected: no.
Comment: GLA p.Cys52Trp (c.156C>G) is a missense variant that changes the amino acid at codon 52 from Cysteine to Tryptophan. This variant has been reported in the published literature (PMID:31613176;23935525). At least one functional study has demonstrated a substantial alteration in protein function relative to the wild-type (PMID:32023956;27657681;23935525). This variant is located in a mutational hotspot and/or important functional domain. It is absent or not present at a significant frequency in gnomAD. In silico models predict that this variant is possibly or probably damaging. In conclusion, we classify GLA p.Cys52Trp (c.156C>G) as a likely pathogenic variant.

Blueprint Genetics
Classification: Uncertain significance. Last evaluated: 2024-10-04. Review status: criteria provided, single submitter. Criteria: ACMG Guidelines, 2015. Collection method: clinical testing. Allele origin: germline.

Literature cited by the submitters: PubMed 31613176 (cited by Genomenon, Inc); PubMed 23935525 (cited by Genomenon, Inc); PubMed 32023956 (cited by Genomenon, Inc); PubMed 27657681 (cited by Genomenon, Inc).

NM_000169.3(GLA):c.156C>G (p.Cys52Trp)

Genes: GLA (galactosidase alpha; minus strand), RPL36A-HNRNPH2 (RPL36A-HNRNPH2 readthrough; plus strand). Cytogenetic location: Xq22.1.
Variant type: single nucleotide variant.
Coding change: c.156C>G on transcript NM_000169.3 (MANE Select); coding-DNA position 156, C replaced by G.
Protein change: p.Cys52Trp; replaces cysteine 52 with tryptophan.
Molecular consequence: missense variant. On other transcripts: non-coding transcript variant (3), intron variant (2).
Genome position (GRCh38, 1-based): chrX:101,407,748, G>C on the plus strand (C>G on the coding strand, the complement: GLA is on the minus strand). VCF-style: chrX-101407748-G-C. GRCh37 (hg19) VCF-style: chrX-100662736-G-C.
Other names: c.156C>G, p.Cys52Trp (NM_001406747.1, NM_001406748.1, NM_001406749.1); c.301-4188G>C (NM_001199973.2); c.178-4188G>C (NM_001199974.2); short protein forms C52W.
Identifiers: ClinVar variation 4087282 (VCV004087282.2).